The following is an entry in ClinVar:

NM_000264.5(PTCH1):c.1814A>G (p.Asp605Gly)

Genes: PTCH1 (patched 1; minus strand), LOC100507346 (uncharacterized LOC100507346; plus strand). Cytogenetic location: 9q22.32.
Variant type: single nucleotide variant.
Coding change: c.1814A>G on transcript NM_000264.5 (MANE Select); coding-DNA position 1814, A replaced by G.
Protein change: p.Asp605Gly; replaces aspartic acid 605 with glycine.
Molecular consequence: missense variant. On other transcripts: non-coding transcript variant (2).
Genome position (GRCh38, 1-based): chr9:95,469,846, T>C on the plus strand (A>G on the coding strand, the complement: PTCH1 is on the minus strand). VCF-style: chr9-95469846-T-C. GRCh37 (hg19) VCF-style: chr9-98232128-T-C.
Other names: c.1616A>G, p.Asp539Gly (NM_001083602.3); c.1811A>G, p.Asp604Gly (NM_001083603.3); c.1361A>G, p.Asp454Gly (NM_001083604.3, NM_001083605.3, NM_001083606.3 and 1 more transcripts); c.1658A>G, p.Asp553Gly (NM_001354918.2); short protein forms D539G, D604G, D605G, D454G, D553G.
Identifiers: ClinVar variation 3427332 (VCV003427332.1).

ClinVar aggregate classification (germline): Uncertain significance (1 of 4 stars; one submission).

Conditions:
Hereditary cancer-predisposing syndrome. Also called: Neoplastic Syndromes, Hereditary; Tumor predisposition; Hereditary Cancer Syndrome; Hereditary neoplastic syndrome. Identifiers: Orphanet 140162, MedGen C0027672, MeSH D009386, MONDO:0015356.

gnomAD v4.1: 1 of 1,614,044 alleles (0.000062%); highest among the groups gnomAD compares: East Asian, 0.0022%; no homozygotes.

Submission:

Ambry Genetics
Classification: Uncertain significance for Hereditary cancer-predisposing syndrome. Last evaluated: 2024-11-23. Review status: criteria provided, single submitter. Criteria: Ambry Variant Classification Scheme 2023. Collection method: clinical testing. Allele origin: germline.
Comment: The p.D605G variant (also known as c.1814A>G), located in coding exon 13 of the PTCH1 gene, results from an A to G substitution at nucleotide position 1814. The aspartic acid at codon 605 is replaced by glycine, an amino acid with similar properties. This amino acid position is conserved. In addition, the in silico prediction for this alteration is inconclusive. Based on the available evidence, the clinical significance of this variant remains unclear.